The following is an entry in ClinVar:

ClinVar aggregate classification (germline): Pathogenic (1 of 4 stars; one submission).

Conditions:
Lamellar ichthyosis. Identifiers: Orphanet 313, MedGen C5848247, MONDO:0017778.

gnomAD v4.1: 6 of 1,613,690 alleles (0.00037%); highest among the groups gnomAD compares: South Asian, 0.0022%; no homozygotes.

Submission:

Women's Health and Genetics/Laboratory Corporation of America, LabCorp
Classification: Pathogenic for Lamellar ichthyosis. Last evaluated: 2024-10-11. Review status: criteria provided, single submitter. Criteria: LabCorp Variant Classification Summary - May 2015. Collection method: clinical testing. Allele origin: germline.
Comment: Variant summary: CERS3 c.685C>T (p.Arg229Cys) results in a non-conservative amino acid change located in the RAM/LAG1/CLN8 homology domain (IPR006634) of the encoded protein sequence. Five of five in-silico tools predict a damaging effect of the variant on protein function. The variant was absent in 251296 control chromosomes. c.685C>T has been reported in the literature in individuals affected with Lamellar Ichthyosis (example: Youssefian_2017). These data indicate that the variant is likely to be associated with disease. A different variant affecting the same codon has been classified as pathogenic by our lab (c.686G>A, p.Arg229His), supporting the critical relevance of codon 229 to CERS3 protein function. The following publication has been ascertained in the context of this evaluation (PMID: 28875980). No submitters have cited clinical-significance assessments for this variant to ClinVar. Based on the evidence outlined above, the variant was classified as pathogenic.

Literature cited by the submitters: PubMed 28875980.

NM_001378789.1(CERS3):c.685C>T (p.Arg229Cys)

Gene: CERS3 (ceramide synthase 3; minus strand). Cytogenetic location: 15q26.3.
Variant type: single nucleotide variant.
Coding change: c.685C>T on transcript NM_001378789.1 (MANE Select); coding-DNA position 685, C replaced by T.
Protein change: p.Arg229Cys; replaces arginine 229 with cysteine.
Molecular consequence: missense variant.
Genome position (GRCh38, 1-based): chr15:100,472,977, G>A on the plus strand (C>T on the coding strand, the complement: CERS3 is on the minus strand). VCF-style: chr15-100472977-G-A. GRCh37 (hg19) VCF-style: chr15-101013182-G-A.
Other names: c.718C>T, p.Arg240Cys (NM_001290341.2); c.685C>T, p.Arg229Cys (NM_001290342.2, NM_001290343.2, NM_178842.5); short protein forms R229C, R240C.
Identifiers: ClinVar variation 3384753 (VCV003384753.1).
Genomic context (GRCh38, chr15:100,472,977, plus strand): 5'-CGTTTACCTCCAGCCAAATGTCAGCCACATCGTGTACAATCATCACGAGGGTCCCACTGC[G>A]AATATAATTAGCACACCAAGAGAAGCTCATCAGACTAATAGCAGCCAGGTGGTGGATGAT-3'
Protein context (NP_001365718.1, residues 219-239): MSFSWCANYI[Arg229Cys]SGTLVMIVHD